The following is an entry in ClinVar:

ClinVar aggregate classification (germline): Benign (1 of 4 stars; one submission).

Allele frequency attached by ClinVar (database versions not stated): gnomAD 0.05026 and 0.05355; 1000 Genomes Project 0.05631; TOPMed 0.05653; 1000 Genomes Project 30x 0.05949.
gnomAD v4.1: 7,572 of 151,882 alleles (5%); highest among the groups gnomAD compares: African/African-American, 16%; 556 homozygotes.

Submission:

GeneDx
Classification: Benign. Last evaluated: 2018-06-14. Review status: criteria provided, single submitter. Criteria: GeneDx Variant Classification (06012015). Collection method: clinical testing. Allele origin: germline. Affected: yes.
Comment: This variant is considered likely benign or benign based on one or more of the following criteria: it is a conservative change, it occurs at a poorly conserved position in the protein, it is predicted to be benign by multiple in silico algorithms, and/or has population frequency not consistent with disease.

NM_012463.4(ATP6V0A2):c.2055+252C>T

Gene: ATP6V0A2 (ATPase H+ transporting V0 subunit a2; plus strand). Cytogenetic location: 12q24.31.
Variant type: single nucleotide variant.
Coding change: c.2055+252C>T on transcript NM_012463.4 (MANE Select); 252 bases into the intron after coding-DNA position 2055, C replaced by T.
Molecular consequence: intron variant.
Genome position (GRCh38, 1-based): chr12:123,751,481, C>T. VCF-style: chr12-123751481-C-T. GRCh37 (hg19) VCF-style: chr12-124236028-C-T.
Identifiers: ClinVar variation 683168 (VCV000683168.1), dbSNP rs7973463, ClinGen allele CA13715629.